The following is an entry in ClinVar:

ClinVar aggregate classification (germline): Uncertain significance (1 of 4 stars; one submission).

Conditions:
Inborn genetic diseases. Identifiers: MedGen C0950123, MeSH D030342.

Allele frequency attached by ClinVar (database versions not stated): TOPMed below 0.00001; gnomAD 0.00001.
gnomAD v4.1: 9 of 1,614,062 alleles (0.00056%); highest among the groups gnomAD compares: South Asian, 0.0088%; no homozygotes.

Submission:

Ambry Genetics
Classification: Uncertain significance for Inborn genetic diseases. Last evaluated: 2023-07-03. Review status: criteria provided, single submitter. Criteria: Ambry Variant Classification Scheme 2023. Collection method: clinical testing. Allele origin: germline.
Comment: The p.T44S variant (also known as c.130A>T), located in coding exon 2 of the CCM2 gene, results from an A to T substitution at nucleotide position 130. The threonine at codon 44 is replaced by serine, an amino acid with similar properties. This amino acid position is conserved. In addition, the in silico prediction for this alteration is inconclusive. Since supporting evidence is limited at this time, the clinical significance of this alteration remains unclear.

NM_031443.4(CCM2):c.130A>T (p.Thr44Ser)

Gene: CCM2 (CCM2 scaffold protein; plus strand). Cytogenetic location: 7p13.
Variant type: single nucleotide variant.
Coding change: c.130A>T on transcript NM_031443.4 (MANE Select); coding-DNA position 130, A replaced by T.
Protein change: p.Thr44Ser; replaces threonine 44 with serine.
Molecular consequence: missense variant. On other transcripts: non-coding transcript variant (1), intron variant (2).
Genome position (GRCh38, 1-based): chr7:45,038,352, A>T. VCF-style: chr7-45038352-A-T. GRCh37 (hg19) VCF-style: chr7-45077951-A-T.
Other names: c.193A>T, p.Thr65Ser (NM_001029835.2); c.130A>T, p.Thr44Ser (NM_001167935.2, NM_001363458.2); c.31-25566A>T (NM_001363459.2, NM_001167934.2); short protein forms T65S, T44S.
Identifiers: ClinVar variation 2626151 (VCV002626151.2), dbSNP rs746014166, ClinGen allele CA4246874.